The following is an entry in ClinVar:

NM_001267550.2(TTN):c.105133G>A (p.Asp35045Asn)

Genes: TTN (titin; minus strand), TTN-AS1 (TTN antisense RNA 1; plus strand), LOC129935185 (ATAC-STARR-seq lymphoblastoid active region 16810; plus strand). Cytogenetic location: 2q31.2.
Variant type: single nucleotide variant.
Coding change: c.105133G>A on transcript NM_001267550.2 (MANE Select); coding-DNA position 105133, G replaced by A.
Protein change: p.Asp35045Asn; replaces aspartic acid 35045 with asparagine.
Molecular consequence: missense variant.
Genome position (GRCh38, 1-based): chr2:178,531,482, C>T on the plus strand (G>A on the coding strand, the complement: TTN is on the minus strand). VCF-style: chr2-178531482-C-T. GRCh37 (hg19) VCF-style: chr2-179396209-C-T.
Other names: c.100210G>A, p.Asp33404Asn (NM_001256850.1); c.77938G>A, p.Asp25980Asn (NM_003319.4); c.97429G>A, p.Asp32477Asn (NM_133378.4); c.78313G>A, p.Asp26105Asn (NM_133432.3); c.78514G>A, p.Asp26172Asn (NM_133437.4); short protein forms D25980N, D32477N, D35045N, D26105N, D33404N, D26172N.
Identifiers: ClinVar variation 4793573 (VCV004793573.1).

ClinVar aggregate classification (germline): Uncertain significance (1 of 4 stars; one submission).

Conditions:
Autosomal recessive limb-girdle muscular dystrophy type 2J (LGMDR10). Also called: MUSCULAR DYSTROPHY, LIMB-GIRDLE, AUTOSOMAL RECESSIVE 10; Limb-girdle muscular dystrophy, type 2J. Identifiers: Orphanet 140922, MedGen C1837342, MONDO:0012127, OMIM 608807.
Dilated cardiomyopathy 1G (CMD1G). Identifiers: Orphanet 154, MedGen C1858763, MONDO:0011400, OMIM 604145.

Submission:

Labcorp Genetics (formerly Invitae), Labcorp
Classification: Uncertain significance for Dilated cardiomyopathy 1G; Autosomal recessive limb-girdle muscular dystrophy type 2J. Last evaluated: 2025-06-24. Review status: criteria provided, single submitter. Criteria: Invitae Variant Classification Sherloc (09022015). Collection method: clinical testing. Allele origin: germline.
Comment: This sequence change replaces aspartic acid, which is acidic and polar, with asparagine, which is neutral and polar, at codon 35045 of the TTN protein (p.Asp35045Asn). This variant is not present in population databases (gnomAD no frequency). This variant has not been reported in the literature in individuals affected with TTN-related conditions. Experimental studies and prediction algorithms are not available or were not evaluated, and the functional significance of this variant is currently unknown. In summary, the available evidence is currently insufficient to determine the role of this variant in disease. Therefore, it has been classified as a Variant of Uncertain Significance.